The following is an entry in ClinVar:

ClinVar aggregate classification (germline): Uncertain significance. Review status: criteria provided, multiple submitters, no conflicts (2 of 4 stars). 2 submissions from 2 submitters: Uncertain significance (2). Last evaluated 2023-12-16.

Conditions:
Cardiovascular phenotype. Identifiers: MedGen CN230736.
Costello syndrome (CSTLO). Also called: FCS SYNDROME; HRAS-Related Costello Syndrome; FACIOCUTANEOSKELETAL SYNDROME. Identifiers: Orphanet 3071, MedGen C0587248, MONDO:0009026, OMIM 218040.

Allele frequency attached by ClinVar (database versions not stated): gnomAD exomes below 0.00001.
gnomAD v4.1: 4 of 1,613,612 alleles (0.00025%); highest among the groups gnomAD compares: Non-Finnish European, 0.00034%; no homozygotes.

Submissions (2):

Ambry Genetics
Classification: Uncertain significance for Cardiovascular phenotype. Last evaluated: 2023-12-16. Review status: criteria provided, single submitter. Criteria: Ambry Variant Classification Scheme 2023. Collection method: clinical testing. Allele origin: germline.
Comment: The p.P140L variant (also known as c.419C>T), located in coding exon 3 of the HRAS gene, results from a C to T substitution at nucleotide position 419. The proline at codon 140 is replaced by leucine, an amino acid with similar properties. This amino acid position is conserved. In addition, the in silico prediction for this alteration is inconclusive. Since supporting evidence is limited at this time, the clinical significance of this alteration remains unclear.

Labcorp Genetics (formerly Invitae), Labcorp
Classification: Uncertain significance for Costello syndrome. Last evaluated: 2023-06-06. Review status: criteria provided, single submitter. Criteria: Invitae Variant Classification Sherloc (09022015). Collection method: clinical testing. Allele origin: germline.
Comment: In summary, the available evidence is currently insufficient to determine the role of this variant in disease. Therefore, it has been classified as a Variant of Uncertain Significance. Advanced modeling of protein sequence and biophysical properties (such as structural, functional, and spatial information, amino acid conservation, physicochemical variation, residue mobility, and thermodynamic stability) performed at Invitae indicates that this missense variant is not expected to disrupt HRAS protein function. ClinVar contains an entry for this variant (Variation ID: 959406). This variant has not been reported in the literature in individuals affected with HRAS-related conditions. This variant is not present in population databases (gnomAD no frequency). This sequence change replaces proline, which is neutral and non-polar, with leucine, which is neutral and non-polar, at codon 140 of the HRAS protein (p.Pro140Leu).

NM_005343.4(HRAS):c.419C>T (p.Pro140Leu)

Genes: HRAS (HRas proto-oncogene, GTPase; minus strand), LRRC56 (leucine rich repeat containing 56; plus strand). Cytogenetic location: 11p15.5.
Variant type: single nucleotide variant.
Coding change: c.419C>T on transcript NM_005343.4 (MANE Select); coding-DNA position 419, C replaced by T.
Protein change: p.Pro140Leu; replaces proline 140 with leucine.
Molecular consequence: missense variant.
Genome position (GRCh38, 1-based): chr11:533,484, G>A on the plus strand (C>T on the coding strand, the complement: HRAS is on the minus strand). VCF-style: chr11-533484-G-A. GRCh37 (hg19) VCF-style: chr11-533484-G-A.
Other names: c.419C>T, p.Pro140Leu (NM_001130442.3, NM_176795.5); c.100C>T, p.Pro34Ser (NM_001318054.2); short protein forms P140L, P34S.
Identifiers: ClinVar variation 959406 (VCV000959406.11), dbSNP rs745637518, ClinGen allele CA378922896.
Genomic context (GRCh38, chr11:533,484, plus strand): 5'-GCTAGCTGTGGGGTGGAGAGCTGCCTCACCTGCCGGGTCTTGGCCGAGGTCTCGATGTAG[G>A]GGATGCCGTAGCTTCGGGCGAGGTCCTGAGCCTGCCGAGATTCCACAGTGCGTGCAGCCA-3'
Protein context (NP_005334.1, residues 130-150): AQDLARSYGI[Pro140Leu]YIETSAKTRQ